The following is an entry in ClinVar:

ClinVar aggregate classification (germline): Uncertain significance. Review status: criteria provided, multiple submitters, no conflicts (2 of 4 stars). 2 submissions from 2 submitters: Uncertain significance (2). Last evaluated 2024-11-22.

Conditions:
Peripheral neuropathy-myopathy-hoarseness-hearing loss syndrome. Identifiers: Orphanet 397744, MedGen C3280556, MONDO:0013711, OMIM 614369.

Allele frequency attached by ClinVar (database versions not stated): gnomAD exomes below 0.00001 and 0.00001; TOPMed below 0.00001.
gnomAD v4.1: 10 of 1,613,580 alleles (0.00062%); highest among the groups gnomAD compares: Non-Finnish European, 0.00076%; no homozygotes.

Submissions (2):

Blueprint Genetics
Classification: Uncertain significance. Last evaluated: 2024-11-22. Review status: criteria provided, single submitter. Criteria: ACMG Guidelines, 2015. Collection method: clinical testing. Allele origin: germline.

Centre for Mendelian Genomics, University Medical Centre Ljubljana
Classification: Uncertain significance for Peripheral neuropathy-myopathy-hoarseness-hearing loss syndrome. Last evaluated: 2018-12-13. Review status: criteria provided, single submitter. Criteria: ACMG Guidelines, 2015. Collection method: clinical testing. Allele origin: unknown. Affected: yes.
Comment: This variant was classified as: Uncertain significance. The available evidence on this variant's pathogenicity is insufficient or conflicting. The following ACMG criteria were applied in classifying this variant: PP3.

NM_001145809.2(MYH14):c.4582G>A (p.Glu1528Lys)

Gene: MYH14 (myosin heavy chain 14; plus strand). Cytogenetic location: 19q13.33.
Variant type: single nucleotide variant.
Coding change: c.4582G>A on transcript NM_001145809.2 (MANE Select); coding-DNA position 4582, G replaced by A.
Protein change: p.Glu1528Lys; replaces glutamic acid 1528 with lysine.
Molecular consequence: missense variant.
Genome position (GRCh38, 1-based): chr19:50,286,524, G>A. VCF-style: chr19-50286524-G-A. GRCh37 (hg19) VCF-style: chr19-50789781-G-A.
Other names: c.4483G>A, p.Glu1495Lys (NM_001077186.2); c.4459G>A, p.Glu1487Lys (NM_024729.4); short protein forms E1495K, E1487K, E1528K.
Identifiers: ClinVar variation 931005 (VCV000931005.4), dbSNP rs944541812, ClinGen allele CA309579722.